The following is an entry in ClinVar:

ClinVar aggregate classification (germline): Conflicting classifications of pathogenicity. Review status: criteria provided, conflicting classifications (1 of 4 stars). 2 submissions from 2 submitters: Likely pathogenic (1); Uncertain significance (1). Last evaluated 2025-08-18.

Conditions:
Hereditary cancer-predisposing syndrome. Also called: Hereditary neoplastic syndrome; Neoplastic Syndromes, Hereditary; Tumor predisposition; Hereditary Cancer Syndrome. Identifiers: Orphanet 140162, MedGen C0027672, MeSH D009386, MONDO:0015356.

Submissions (2):

Labcorp Genetics (formerly Invitae), Labcorp
Classification: Likely pathogenic. Last evaluated: 2025-08-18. Review status: criteria provided, single submitter. Criteria: Invitae Variant Classification Sherloc (09022015). Collection method: clinical testing. Allele origin: germline.
Comment: This variant results in the deletion of part of exon 47 (c.6651_6657+6delinsTGC) of the POLE gene. RNA analysis indicates that this variant induces altered splicing and may result in an absent or altered protein product. Information on the frequency of this variant in the gnomAD database is not available, as this variant may be reported differently in the database. This variant has not been reported in the literature in individuals affected with POLE-related conditions. Studies have shown that this variant results in intron retention, and produces a non-functional protein and/or introduces a premature termination codon (internal data). In summary, the currently available evidence indicates that the variant is pathogenic, but additional data are needed to prove that conclusively. Therefore, this variant has been classified as Likely Pathogenic.

Ambry Genetics
Classification: Uncertain significance for Hereditary cancer-predisposing syndrome. Last evaluated: 2025-03-19. Review status: criteria provided, single submitter. Criteria: Ambry Variant Classification Scheme 2023. Collection method: clinical testing. Allele origin: germline.
Comment: The c.6651_6657+6del13insTGC variant results from a deletion of the last 7 nucleotides in coding exon 47 and a deletion of an additional 6 nucleotides downstream from coding exon 47 in the POLE gene, with an insertion of three nucleotides (TGC) between positions c.6651 to c.6657+6. Alterations that disrupt the canonical splice site are expected to result in aberrant splicing. In silico splice site analysis predicts that this alteration will weaken the native splice donor site; however, direct evidence is insufficient at this time (Ambry internal data). The resulting transcript is predicted to be in-frame and is not expected to trigger nonsense-mediated mRNA decay; although, direct evidence is unavailable. These nucleotide positions are well conserved in available vertebrate species. Based on the available evidence, the clinical significance of this variant remains unclear.

NM_006231.4(POLE):c.6651_6657+6delinsTGC

Gene: POLE (DNA polymerase epsilon, catalytic subunit; minus strand). Cytogenetic location: 12q24.33.
Variant type: Indel.
Coding change: c.6651_6657+6delinsTGC on transcript NM_006231.4 (MANE Select); coding-DNA position 6651 through 6 bases into the intron after coding-DNA position 6657, GGACCTGGTGAGT replaced by TGC.
Molecular consequence: splice donor variant.
Genome position (GRCh38, 1-based): chr12:132,625,639-132,625,651, ACTCACCAGGTCC replaced by GCA on the plus strand (GGACCTGGTGAGT replaced by TGC on the coding strand, the reverse complement: POLE is on the minus strand). VCF-style: chr12-132625639-ACTCACCAGGTCC-GCA. GRCh37 (hg19) VCF-style: chr12-133202225-ACTCACCAGGTCC-GCA.
Other names: c.6651_6657+6del13insTGC (NM_006231.2).
Identifiers: ClinVar variation 565881 (VCV000565881.7), dbSNP rs1566308356, ClinGen allele CA891843563.